The following is an entry in ClinVar:

ClinVar aggregate classification (germline): Conflicting classifications of pathogenicity. Review status: criteria provided, conflicting classifications (1 of 4 stars). 2 submissions from 2 submitters: Likely pathogenic (1); Uncertain significance (1). Last evaluated 2023-06-28.

Conditions:
Intellectual developmental disorder, autosomal recessive 37. Also called: Intellectual disability-hypotonia-spasticity-sleep disorder syndrome. Identifiers: Orphanet 356996, MedGen C3809672, MONDO:0014210, OMIM 615493.

Submissions (2):

Blueprint Genetics
Classification: Uncertain significance. Last evaluated: 2023-06-28. Review status: criteria provided, single submitter. Criteria: ACMG Guidelines, 2015. Collection method: clinical testing. Allele origin: germline.

Institute of Human Genetics, University of Leipzig Medical Center
Classification: Likely pathogenic for Intellectual developmental disorder, autosomal recessive 37. Last evaluated: 2023-01-10. Review status: criteria provided, single submitter. Criteria: ACMG Guidelines, 2015. Collection method: clinical testing. Allele origin: unknown. Affected: yes.
Comment: _x000D_ Criteria applied: PVS1, PM2_SUP

NM_020987.5(ANK3):c.631C>T (p.Arg211Ter)

Gene: ANK3 (ankyrin 3; minus strand). Cytogenetic location: 10q21.2.
Variant type: single nucleotide variant.
Coding change: c.631C>T on transcript NM_020987.5 (MANE Select); coding-DNA position 631, C replaced by T.
Protein change: p.Arg211Ter; replaces arginine 211 with a stop codon.
Molecular consequence: nonsense.
Genome position (GRCh38, 1-based): chr10:60,263,903, G>A on the plus strand (C>T on the coding strand, the complement: ANK3 is on the minus strand). VCF-style: chr10-60263903-G-A. GRCh37 (hg19) VCF-style: chr10-62023661-G-A.
Other names: c.613C>T, p.Arg205Ter (NM_001204403.2); c.580C>T, p.Arg194Ter (NM_001204404.2); c.631C>T, p.Arg211Ter (NM_001320874.2); short protein forms R194*, R205*, R211*.
Identifiers: ClinVar variation 2430260 (VCV002430260.2), dbSNP rs2132649260, ClinGen allele CA376992157.
Genomic context (GRCh38, chr10:60,263,903, plus strand): 5'-CCACATCTGCATTGTTGTCATTCTGCAGCAGCAGGGCGGCGGCTTTCGTGTCGTCTTTTC[G>A]GGCCGCGATATGAAGAGCTGGGAGACGCACTTTTCCTTTGGTGTCATTCTCTAGCAGGAG-3'